The following is an entry in ClinVar:

NM_213649.2(SFXN4):c.360+185_360+190del

Gene: SFXN4 (sideroflexin 4; minus strand). Cytogenetic location: 10q26.11.
Variant type: Microsatellite.
Coding change: c.360+185_360+190del on transcript NM_213649.2 (MANE Select); bases 185 to 190 of the intron after coding-DNA position 360, 6 bases deleted (CTCCCC; older notation c.360+185_360+190delCTCCCC).
Molecular consequence: intron variant.
Genome position (GRCh38, 1-based): chr10:119,159,538-119,159,543, GGGGAG deleted on the plus strand (CTCCCC on the coding strand, the reverse complement: SFXN4 is on the minus strand); deleting any 6 consecutive bases within chr10:119,159,538-119,159,551 gives the same sequence; the c. name uses the placement nearest the transcript's 3' end. VCF-style (leftmost placement, unchanged base first): chr10-119159537-TGGGGAG-T. GRCh37 (hg19) VCF-style: chr10-120919049-TGGGGAG-T.
Identifiers: ClinVar variation 667485 (VCV000667485.1), dbSNP rs3832706, ClinGen allele CA214182621.

ClinVar aggregate classification (germline): Benign (1 of 4 stars; one submission).

Submission:

GeneDx
Classification: Benign. Last evaluated: 2018-06-14. Review status: criteria provided, single submitter. Criteria: GeneDx Variant Classification (06012015). Collection method: clinical testing. Allele origin: germline. Affected: yes.
Comment: This variant is considered likely benign or benign based on one or more of the following criteria: it is a conservative change, it occurs at a poorly conserved position in the protein, it is predicted to be benign by multiple in silico algorithms, and/or has population frequency not consistent with disease.